The following is an entry in ClinVar:

NM_020066.5(FMN2):c.3423T>C (p.Pro1141=)

Gene: FMN2 (formin 2; plus strand). Cytogenetic location: 1q43.
Variant type: single nucleotide variant.
Coding change: c.3423T>C on transcript NM_020066.5 (MANE Select); coding-DNA position 3423, T replaced by C.
Protein change: p.Pro1141=; no amino-acid change (proline 1141 retained).
Molecular consequence: synonymous variant. On other transcripts: intron variant (1).
Genome position (GRCh38, 1-based): chr1:240,208,235, T>C. VCF-style: chr1-240208235-T-C. GRCh37 (hg19) VCF-style: chr1-240371535-T-C.
Other names: c.3435T>C, p.Pro1145= (NM_001305424.2); c.1986+19973T>C (NM_001348094.2).
Identifiers: ClinVar variation 3041137 (VCV003041137.22), dbSNP rs1384378161, ClinGen allele CA1477168.
Genomic context (GRCh38, chr1:240,208,235, plus strand): 5'-TCCCCCTCTACCCGGAGCGGGCATACCCCCTCCTCCCCCTCTTCCCGGAGCGGGCATACC[T>C]CCTCCACCCCCTCTACCCAGAGTGGGCATACCCCCTCCGCCCCCACTTCCCGGAGCGGGC-3'
Protein context (NP_064450.3, residues 1131-1151): PPPPLPGAGI[Pro1141=]PPPPLPRVGI

ClinVar aggregate classification (germline): Likely benign. Review status: criteria provided, multiple submitters, no conflicts (2 of 4 stars). 3 submissions from 3 submitters: Likely benign (2). 1 of the submissions does not count toward it. Last evaluated 2026-07-01.

Conditions:
FMN2-related disorder. Also called: FMN2-related condition.

Allele frequency attached by ClinVar (database versions not stated): ExAC 0.00015.

Submissions (3):

CeGaT Center for Human Genetics Tuebingen
Classification: Likely benign. Last evaluated: 2026-07-01. Review status: criteria provided, single submitter. Criteria: CeGaT Center For Human Genetics Tuebingen Variant Classification Criteria Version 2. Collection method: clinical testing. Allele origin: germline. Affected: yes. Observed: 5 variant alleles.
Comment: FMN2: BP4, BP7

Blueprint Genetics
Classification: Likely benign. Last evaluated: 2024-10-28. Review status: criteria provided, single submitter. Criteria: ACMG Guidelines, 2015. Collection method: clinical testing. Allele origin: germline.

PreventionGenetics, part of Exact Sciences
Classification: Likely benign for FMN2-related condition. Last evaluated: 2020-05-11. Review status: no assertion criteria provided. Collection method: clinical testing. Allele origin: germline. Not counted in ClinVar's aggregate classification.
Comment: This variant is classified as likely benign based on ACMG/AMP sequence variant interpretation guidelines (Richards et al. 2015 PMID: 25741868, with internal and published modifications).